The following is an entry in ClinVar:

NM_000161.3(GCH1):c.*256A>G

Gene: GCH1 (GTP cyclohydrolase 1; minus strand). Cytogenetic location: 14q22.2.
Variant type: single nucleotide variant.
Coding change: c.*256A>G on transcript NM_000161.3 (MANE Select); 256 bases downstream of the stop codon, A replaced by G.
Molecular consequence: 3 prime UTR variant. On other transcripts: intron variant (3).
Genome position (GRCh38, 1-based): chr14:54,843,761, T>C on the plus strand (A>G on the coding strand, the complement: GCH1 is on the minus strand). VCF-style: chr14-54843761-T-C. GRCh37 (hg19) VCF-style: chr14-55310479-T-C.
Other names: c.627-707A>G (NM_001024071.2); c.*12+21A>G (NM_001024070.2); c.*16+240A>G (NM_001024024.2).
Identifiers: ClinVar variation 881323 (VCV000881323.4), dbSNP rs181674470, ClinGen allele CA7193460.

ClinVar aggregate classification (germline): Benign/Likely benign. Review status: criteria provided, single submitter (1 of 4 stars). 2 submissions from 1 submitter: Benign (1); Likely benign (1). Last evaluated 2018-01-13.

Conditions:
GTP cyclohydrolase I deficiency. Identifiers: MedGen C0268467, MONDO:0100184.
Dystonia 5 (DRD). Also called: GTP Cyclohydrolase 1-Deficient Dopa-Responsive Dystonia; Dystonia, DOPA-responsive, with or without hyperphenylalaninemia; DYSTONIA, PROGRESSIVE, WITH DIURNAL VARIATION; DYSTONIA-PARKINSONISM WITH DIURNAL FLUCTUATION; DYT-GCH1. Identifiers: Orphanet 98808, MedGen C1851920, MONDO:0007495, OMIM 128230.

Allele frequency attached by ClinVar (database versions not stated): gnomAD 0.00014 and 0.00027; gnomAD exomes 0.00021 and 0.00043; TOPMed 0.00030; ExAC 0.00037; 1000 Genomes Project 30x 0.00125; 1000 Genomes Project 0.00140.
gnomAD v4.1: 363 of 1,613,986 alleles (0.022%); highest among the groups gnomAD compares: East Asian, 0.62%; 3 homozygotes.

Submissions (2):

Illumina Laboratory Services, Illumina
Classification: Benign for Dystonia 5. Last evaluated: 2018-01-13. Review status: criteria provided, single submitter. Criteria: ICSL Variant Classification Criteria 13 December 2019. Collection method: clinical testing. Allele origin: germline.
Comment: This variant was observed in the ICSL laboratory as part of a predisposition screen in an ostensibly healthy population. It had not been previously curated by ICSL or reported in the Human Gene Mutation Database (HGMD: prior to June 1st, 2018), and was therefore a candidate for classification through an automated scoring system. Utilizing variant allele frequency, disease prevalence and penetrance estimates, and inheritance mode, an automated score was calculated to assess if this variant is too frequent to cause the disease. Based on the score and internal cut-off values, a variant classified as benign is not then subjected to further curation. The score for this variant resulted in a classification of benign for this disease.

Illumina Laboratory Services, Illumina
Classification: Likely benign for GTP cyclohydrolase I deficiency with hyperphenylalaninemia. Last evaluated: 2018-01-13. Review status: criteria provided, single submitter. Criteria: ICSL Variant Classification Criteria 13 December 2019. Collection method: clinical testing. Allele origin: germline.
Comment: This variant was observed in the ICSL laboratory as part of a predisposition screen in an ostensibly healthy population. It had not been previously curated by ICSL or reported in the Human Gene Mutation Database (HGMD: prior to June 1st, 2018), and was therefore a candidate for classification through an automated scoring system. Utilizing variant allele frequency, disease prevalence and penetrance estimates, and inheritance mode, an automated score was calculated to assess if this variant is too frequent to cause the disease. Based on the score and internal cut-off values, a variant classified as likely benign is not then subjected to further curation. The score for this variant resulted in a classification of likely benign for this disease.